The following is an entry in ClinVar:

ClinVar aggregate classification (germline): Benign/Likely benign. Review status: criteria provided, multiple submitters, no conflicts (2 of 4 stars). 2 submissions from 2 submitters: Benign (1); Likely benign (1). Last evaluated 2025-09-14.

Conditions:
Multiple endocrine neoplasia, type 1 (MEN1). Also called: MEN I; WERMER SYNDROME; Endocrine adenomatosis multiple; MEN 1; MEA I. Identifiers: Orphanet 652, MedGen C0025267, MeSH D018761, MONDO:0007540, OMIM 131100.

Submissions (2):

Labcorp Genetics (formerly Invitae), Labcorp
Classification: Likely benign for Multiple endocrine neoplasia, type 1. Last evaluated: 2025-09-14. Review status: criteria provided, single submitter. Criteria: Invitae Variant Classification Sherloc (09022015). Collection method: clinical testing. Allele origin: germline.

Myriad Genetics, Inc.
Classification: Benign for Multiple endocrine neoplasia, type 1. Last evaluated: 2024-10-31. Review status: criteria provided, single submitter. Criteria: Myriad Autosomal Dominant, Autosomal Recessive and X-Linked Classification Criteria (2023). Collection method: clinical testing. Allele origin: unknown.
Comment: This variant is considered benign. This variant is a silent/synonymous amino acid change and it is not expected to impact splicing.

NM_001370259.2(MEN1):c.51C>T (p.Asp17=)

Gene: MEN1 (menin 1; minus strand). Cytogenetic location: 11q13.1.
Variant type: single nucleotide variant.
Coding change: c.51C>T on transcript NM_001370259.2 (MANE Select); coding-DNA position 51, C replaced by T.
Protein change: p.Asp17=; no amino-acid change (aspartic acid 17 retained).
Molecular consequence: synonymous variant.
Genome position (GRCh38, 1-based): chr11:64,810,059, G>A on the plus strand (C>T on the coding strand, the complement: MEN1 is on the minus strand). VCF-style: chr11-64810059-G-A. GRCh37 (hg19) VCF-style: chr11-64577531-G-A.
Other names: c.51C>T, p.Asp17= (NM_000244.4, NM_001370251.2, NM_001370260.2 and 9 more transcripts).
Identifiers: ClinVar variation 1137454 (VCV001137454.10), dbSNP rs2136195633, ClinGen allele CA475163223.
Genomic context (GRCh38, chr11:64,810,059, plus strand): 5'-AAGGAGCACCAGGTCCGGCTCCTCTCGGCCCAGCTCGGCAGCAAACAGGCGCACCACGTC[G>A]TCGATGGAGCGCAGCGGGAACAGCGTCTTCTGGGCGGCCTTCAGCCCCATGGCGGCGGGC-3'
Protein context (NP_001357188.2, residues 7-27): QKTLFPLRSI[Asp17=]DVVRLFAAEL